The following is an entry in ClinVar:

NM_006096.4(NDRG1):c.*1135G>A

Gene: NDRG1 (N-myc downstream regulated 1; minus strand). Cytogenetic location: 8q24.22.
Variant type: single nucleotide variant.
Coding change: c.*1135G>A on transcript NM_006096.4 (MANE Select); 1135 bases downstream of the stop codon, G replaced by A.
Molecular consequence: 3 prime UTR variant.
Genome position (GRCh38, 1-based): chr8:133,237,743, C>T on the plus strand (G>A on the coding strand, the complement: NDRG1 is on the minus strand). VCF-style: chr8-133237743-C-T. GRCh37 (hg19) VCF-style: chr8-134249986-C-T.
Other names: c.*1135G>A (NM_001135242.2, NM_001258432.2, NM_001258433.2 and 4 more transcripts).
Identifiers: ClinVar variation 362014 (VCV000362014.5), dbSNP rs10675, ClinGen allele CA10630350.

ClinVar aggregate classification (germline): Benign (1 of 4 stars; one submission).

Conditions:
Charcot-Marie-Tooth disease type 4D. Also called: CHARCOT-MARIE-TOOTH DISEASE, DEMYELINATING, AUTOSOMAL RECESSIVE, TYPE 4D; NEUROPATHY, HEREDITARY MOTOR AND SENSORY, LOM TYPE; Charcot-Marie-Tooth Neuropathy Type 4D; CHARCOT-MARIE-TOOTH DISEASE, DEMYELINATING, TYPE 4D. Identifiers: Orphanet 99950, MedGen C1832334, MONDO:0011085, OMIM 601455.

Allele frequency attached by ClinVar (database versions not stated): gnomAD 0.01757 and 0.01865; 1000 Genomes Project 0.01817; 1000 Genomes Project 30x 0.02030; TOPMed 0.02034.
gnomAD v4.1: 2,939 of 230,472 alleles (1.3%); highest among the groups gnomAD compares: African/African-American, 6%; 83 homozygotes.

Submission:

Illumina Laboratory Services, Illumina
Classification: Benign for Charcot-Marie-Tooth disease type 4D. Last evaluated: 2018-01-13. Review status: criteria provided, single submitter. Criteria: ICSL Variant Classification Criteria 13 December 2019. Collection method: clinical testing. Allele origin: germline.
Comment: This variant was observed in the ICSL laboratory as part of a predisposition screen in an ostensibly healthy population. It had not been previously curated by ICSL or reported in the Human Gene Mutation Database (HGMD: prior to June 1st, 2018), and was therefore a candidate for classification through an automated scoring system. Utilizing variant allele frequency, disease prevalence and penetrance estimates, and inheritance mode, an automated score was calculated to assess if this variant is too frequent to cause the disease. Based on the score and internal cut-off values, a variant classified as benign is not then subjected to further curation. The score for this variant resulted in a classification of benign for this disease.